The following is an entry in ClinVar:

NM_000321.3(RB1):c.1389+1G>A

Gene: RB1 (RB transcriptional corepressor 1; plus strand). Cytogenetic location: 13q14.2.
Variant type: single nucleotide variant.
Coding change: c.1389+1G>A on transcript NM_000321.3 (MANE Select); the canonical splice donor site of the intron after coding-DNA position 1389, G replaced by A.
Molecular consequence: splice donor variant.
Genome position (GRCh38, 1-based): chr13:48,379,651, G>A. VCF-style: chr13-48379651-G-A. GRCh37 (hg19) VCF-style: chr13-48953787-G-A.
Other names: NC_000013.10:g.48953787G>A; c.1389+1G>A (NM_001407165.1, NM_001407166.1).
Identifiers: ClinVar variation 1771465 (VCV001771465.4), dbSNP rs1060503087, ClinGen allele CA388162656.

ClinVar aggregate classification (germline): Pathogenic. Review status: criteria provided, multiple submitters, no conflicts (2 of 4 stars). 2 submissions from 2 submitters: Pathogenic (2). Last evaluated 2024-05-20.

Conditions:
Hereditary cancer-predisposing syndrome. Also called: Hereditary Cancer Syndrome; Hereditary neoplastic syndrome; Neoplastic Syndromes, Hereditary; Tumor predisposition. Identifiers: Orphanet 140162, MedGen C0027672, MeSH D009386, MONDO:0015356.
Retinoblastoma (RB1). Also called: RETINOBLASTOMA, SOMATIC. Identifiers: Orphanet 790, MedGen C0035335, MeSH D012175, MONDO:0008380, OMIM 180200, HP:0009919. Disease mechanism: loss of function. Inheritance: Both sporadic and heritable forms are tested..

Submissions (3):

Genetic Diagnostic Laboratory, University of Pennsylvania School of Medicine
Classification: Pathogenic for Retinoblastoma. Last evaluated: 2024-05-20. Review status: criteria provided, single submitter. Criteria: ACMG Guidelines, 2015. Collection method: clinical testing. Allele origin: germline. Affected: yes. Observed: 2 variant alleles.
Comment: Case and Pedigree Information: BILATERAL CASES:1, UNILATERAL CASES:1, TOTAL CASES:2, PEDIGREES:2. ACMG Codes Applied:PVS1, PM2

Ambry Genetics
Classification: Pathogenic for Hereditary cancer-predisposing syndrome. Last evaluated: 2024-01-12. Review status: criteria provided, single submitter. Criteria: Ambry Variant Classification Scheme 2023. Collection method: clinical testing. Allele origin: germline.
Comment: The c.1389+1G>A intronic pathogenic mutation results from a G to A substitution one nucleotide after coding exon 14 of the RB1 gene. Of note, this mutation is also designated as IVS14+1G>A and g.76487G>A in published literature. In addition to the clinical data presented in the literature, alterations that disrupt the canonical splice site are expected to cause aberrant splicing, resulting in an abnormal protein or a transcript that is subject to nonsense-mediated mRNA decay. As such, this alteration is classified as a disease-causing mutation.

Dr. Peter K. Rogan Lab, Western University
No classification provided (evidence only). Condition: Sarcoma. Review status: no classification provided. Collection method: in vitro. Allele origin: not applicable. Functional consequence: skipped exon. Not counted in ClinVar's aggregate classification.

Literature cited by the submitters: PubMed 14722923 (cited by Ambry Genetics); PubMed 18449911 (cited by Ambry Genetics).